The following is an entry in ClinVar:

ClinVar aggregate classification (germline): Pathogenic (1 of 4 stars; one submission).

Conditions:
Congenital myasthenic syndrome 8. Also called: MYASTHENIC SYNDROME, CONGENITAL, DUE TO AGRIN DEFICIENCY; Myasthenic syndrome, congenital, 8, with pre- and postsynaptic defects. Identifiers: Orphanet 590, MedGen C3808739, MONDO:0014052, OMIM 615120.

gnomAD v4.1: 7 of 1,601,224 alleles (0.00044%); highest among the groups gnomAD compares: Non-Finnish European, 0.00051%; no homozygotes.

Submission:

Labcorp Genetics (formerly Invitae), Labcorp
Classification: Pathogenic for Congenital myasthenic syndrome 8. Last evaluated: 2023-12-23. Review status: criteria provided, single submitter. Criteria: Invitae Variant Classification Sherloc (09022015). Collection method: clinical testing. Allele origin: germline.
Comment: This sequence change creates a premature translational stop signal (p.Cys578*) in the AGRN gene. It is expected to result in an absent or disrupted protein product. Loss-of-function variants in AGRN are known to be pathogenic (PMID: 24951643). This variant is not present in population databases (gnomAD no frequency). This variant has not been reported in the literature in individuals affected with AGRN-related conditions. For these reasons, this variant has been classified as Pathogenic.

Literature cited by the submitters: PubMed 24951643.

NM_198576.4(AGRN):c.1734C>A (p.Cys578Ter)

Gene: AGRN (agrin; plus strand). Cytogenetic location: 1p36.33.
Variant type: single nucleotide variant.
Coding change: c.1734C>A on transcript NM_198576.4 (MANE Select); coding-DNA position 1734, C replaced by A.
Protein change: p.Cys578Ter; replaces cysteine 578 with a stop codon.
Molecular consequence: nonsense.
Genome position (GRCh38, 1-based): chr1:1,043,668, C>A. VCF-style: chr1-1043668-C-A. GRCh37 (hg19) VCF-style: chr1-979048-C-A.
Other names: c.1734C>A, p.Cys578Ter (NM_001305275.2); c.1419C>A, p.Cys473Ter (NM_001364727.2); short protein forms C473*, C578*.
Identifiers: ClinVar variation 2705050 (VCV002705050.3), dbSNP rs1333143280, ClinGen allele CA337833726.